The following is an entry in ClinVar:

NM_080680.3(COL11A2):c.4021C>T (p.Pro1341Ser)

Gene: COL11A2 (collagen type XI alpha 2 chain; minus strand). Cytogenetic location: 6p21.32.
Variant type: single nucleotide variant.
Coding change: c.4021C>T on transcript NM_080680.3 (MANE Select); coding-DNA position 4021, C replaced by T.
Protein change: p.Pro1341Ser; replaces proline 1341 with serine.
Molecular consequence: missense variant.
Genome position (GRCh38, 1-based): chr6:33,167,527, G>A on the plus strand (C>T on the coding strand, the complement: COL11A2 is on the minus strand). VCF-style: chr6-33167527-G-A. GRCh37 (hg19) VCF-style: chr6-33135304-G-A.
Other names: c.3841C>T, p.Pro1281Ser (NM_001424108.1); c.3175C>T, p.Pro1059Ser (NM_001424109.1); c.2995C>T, p.Pro999Ser (NM_001424110.1, NM_001424111.1); c.1975C>T, p.Pro659Ser (NM_001424112.1); c.3700C>T, p.Pro1234Ser (NM_080679.3); c.3763C>T, p.Pro1255Ser (NM_080681.3); short protein forms P1059S, P1255S, P999S, P1234S, P1341S, P1281S, P659S.
Identifiers: ClinVar variation 4704735 (VCV004704735.1).

ClinVar aggregate classification (germline): Uncertain significance (1 of 4 stars; one submission).

gnomAD v4.1: 5 of 1,612,784 alleles (0.00031%); highest among the groups gnomAD compares: East Asian, 0.0067%; no homozygotes.

Submission:

Labcorp Genetics (formerly Invitae), Labcorp
Classification: Uncertain significance. Last evaluated: 2025-05-08. Review status: criteria provided, single submitter. Criteria: Invitae Variant Classification Sherloc (09022015). Collection method: clinical testing. Allele origin: germline.
Comment: This sequence change replaces proline, which is neutral and non-polar, with serine, which is neutral and polar, at codon 1341 of the COL11A2 protein (p.Pro1341Ser). This variant is not present in population databases (gnomAD no frequency). This variant has not been reported in the literature in individuals affected with COL11A2-related conditions. Invitae Evidence Modeling of protein sequence and biophysical properties (such as structural, functional, and spatial information, amino acid conservation, physicochemical variation, residue mobility, and thermodynamic stability) indicates that this missense variant is not expected to disrupt COL11A2 protein function with a negative predictive value of 95%. In summary, the available evidence is currently insufficient to determine the role of this variant in disease. Therefore, it has been classified as a Variant of Uncertain Significance.